The following is an entry in ClinVar:

ClinVar aggregate classification (germline): Uncertain significance. Review status: criteria provided, multiple submitters, no conflicts (2 of 4 stars). 3 submissions from 3 submitters: Uncertain significance (2). 1 of the submissions does not count toward it. Last evaluated 2023-09-14.

Conditions:
Polycystic kidney disease, adult type (PKD1). Also called: POLYCYSTIC KIDNEY DISEASE 1 WITH OR WITHOUT POLYCYSTIC LIVER DISEASE; Polycystic Kidney Disease 1, Autosomal Dominant; Polycystic kidney disease 1; Polycystic kidney disease 1, severe; Polycystic Kidney, Autosomal Dominant; POLYCYSTIC KIDNEY DISEASE, ADULT, TYPE I. Identifiers: MedGen C3149841, MONDO:0008263, OMIM 173900.
PKD1-related disorder. Also called: PKD1-related condition.
Inborn genetic diseases. Identifiers: MedGen C0950123, MeSH D030342.

Allele frequency attached by ClinVar (database versions not stated): gnomAD 0.00001; 1000 Genomes Project 30x 0.00016; 1000 Genomes Project 0.00020.

Submissions (3):

Ambry Genetics
Classification: Uncertain significance for Inborn genetic diseases. Last evaluated: 2023-09-14. Review status: criteria provided, single submitter. Criteria: Ambry Variant Classification Scheme 2023. Collection method: clinical testing. Allele origin: germline.

Department of Pathology and Laboratory Medicine, Sinai Health System
Classification: Uncertain significance for Polycystic kidney disease, adult type. Last evaluated: 2023-07-06. Review status: criteria provided, single submitter. Criteria: ACMG Guidelines, 2015. Collection method: clinical testing. Allele origin: germline. Affected: yes.

PreventionGenetics, part of Exact Sciences
Classification: Uncertain significance for PKD1-related condition. Last evaluated: 2024-08-31. Review status: no assertion criteria provided. Collection method: clinical testing. Allele origin: germline. Not counted in ClinVar's aggregate classification.
Comment: The PKD1 c.8062C>G variant is predicted to result in the amino acid substitution p.Leu2688Val. To our knowledge, this variant has not been reported in the literature. This variant is reported in 0.015% of alleles in individuals of East Asian descent in gnomAD. At this time, the clinical significance of this variant is uncertain due to the absence of conclusive functional and genetic evidence.

NM_001009944.3(PKD1):c.8062C>G (p.Leu2688Val)

Gene: PKD1 (polycystin 1, transient receptor potential channel interacting; minus strand). Cytogenetic location: 16p13.3.
Variant type: single nucleotide variant.
Coding change: c.8062C>G on transcript NM_001009944.3 (MANE Select); coding-DNA position 8062, C replaced by G.
Protein change: p.Leu2688Val; replaces leucine 2688 with valine.
Molecular consequence: missense variant.
Genome position (GRCh38, 1-based): chr16:2,104,597, G>C on the plus strand (C>G on the coding strand, the complement: PKD1 is on the minus strand). VCF-style: chr16-2104597-G-C. GRCh37 (hg19) VCF-style: chr16-2154598-G-C.
Other names: c.8062C>G, p.Leu2688Val (NM_000296.4); short protein forms L2688V.
Identifiers: ClinVar variation 2596149 (VCV002596149.4), dbSNP rs538493647, ClinGen allele CA276777679.